The following is an entry in ClinVar:

NM_021939.4(FKBP10):c.727+2del

Gene: FKBP10 (FKBP prolyl isomerase 10; plus strand). Cytogenetic location: 17q21.2.
Variant type: Deletion.
Coding change: c.727+2del on transcript NM_021939.4 (MANE Select); the canonical splice donor site of the intron after coding-DNA position 727, one base deleted (T; older notation c.727+2delT).
Molecular consequence: splice donor variant.
Genome position (GRCh38, 1-based): chr17:41,818,529, T deleted. VCF-style (leftmost placement, unchanged base first): chr17-41818528-GT-G. GRCh37 (hg19) VCF-style: chr17-39974780-GT-G.
Identifiers: ClinVar variation 2996999 (VCV002996999.4), dbSNP rs2544434003, ClinGen allele CA2740095337.

ClinVar aggregate classification (germline): Likely pathogenic. Review status: criteria provided, multiple submitters, no conflicts (2 of 4 stars). 2 submissions from 2 submitters: Likely pathogenic (2). Last evaluated 2024-01-08.

Conditions:
Osteogenesis imperfecta type 11. Also called: OI, TYPE XI; Osteogenesis imperfecta, type XI. Identifiers: Orphanet 666, MedGen C3151218, MONDO:0012592, OMIM 610968.
Bruck syndrome 1 (BRKS1). Also called: ARTHROGRYPOSIS-LIKE DISORDER. Identifiers: Orphanet 1149, Orphanet 2771, MedGen C1850168, MONDO:0009806, OMIM 259450.

Submissions (2):

Fulgent Genetics
Classification: Likely pathogenic for Bruck syndrome 1; Osteogenesis imperfecta type 11. Last evaluated: 2024-01-08. Review status: criteria provided, single submitter. Criteria: ACMG Guidelines, 2015. Collection method: clinical testing. Allele origin: germline.

Labcorp Genetics (formerly Invitae), Labcorp
Classification: Likely pathogenic. Last evaluated: 2023-02-20. Review status: criteria provided, single submitter. Criteria: Invitae Variant Classification Sherloc (09022015). Collection method: clinical testing. Allele origin: germline.
Comment: In summary, the currently available evidence indicates that the variant is pathogenic, but additional data are needed to prove that conclusively. Therefore, this variant has been classified as Likely Pathogenic. Algorithms developed to predict the effect of sequence changes on RNA splicing suggest that this variant may disrupt the consensus splice site. This variant has not been reported in the literature in individuals affected with FKBP10-related conditions. This variant is not present in population databases (gnomAD no frequency). This sequence change affects a splice site in intron 4 of the FKBP10 gene. It is expected to disrupt RNA splicing. Variants that disrupt the donor or acceptor splice site typically lead to a loss of protein function (PMID: 16199547), and loss-of-function variants in FKBP10 are known to be pathogenic (PMID: 22689593, 22949511).

Literature cited by the submitters: PubMed 16199547 (cited by Labcorp Genetics (formerly Invitae), Labcorp); PubMed 22689593 (cited by Labcorp Genetics (formerly Invitae), Labcorp); PubMed 22949511 (cited by Labcorp Genetics (formerly Invitae), Labcorp).